The following is an entry in ClinVar:

ClinVar aggregate classification (germline): Pathogenic. Review status: reviewed by expert panel (3 of 4 stars). 5 submissions from 5 submitters: Pathogenic (1). 4 of the submissions do not count toward it. Last evaluated 2020-07-24.

Conditions:
Mild hyperphenylalaninemia. Identifiers: Orphanet 79651, MedGen C5680207, MONDO:0019335.
Phenylketonuria (PKU). Also called: Phenylketonuria (PKU); FOLLING DISEASE; OLIGOPHRENIA PHENYLPYRUVICA; Phenylketonurias. Identifiers: Orphanet 716, MedGen C0031485, MONDO:0009861, OMIM 261600. Disease mechanism: loss of function.

Allele frequency attached by ClinVar (database versions not stated): gnomAD exomes below 0.00001.
gnomAD v4.1: 1 of 1,613,130 alleles (0.000062%); highest among the groups gnomAD compares: Non-Finnish European, 0.000085%; no homozygotes.

Submissions (5):

ClinGen PAH Variant Curation Expert Panel
Classification: Pathogenic for Phenylketonuria. Last evaluated: 2020-07-24. Review status: reviewed by expert panel. Criteria: ClinGen PAH ACMG Specifications v1. Collection method: curation. Allele origin: germline. Inheritance: Autosomal recessive inheritance.
Comment: The c.442-2A>C variant in PAH is a canonical splice acceptor in which exon skipping disrupts the reading frame and is predicted to undergo nonsense mediated-decay. This variant was documented in 3 patients with classic PKU (PMID 26666653, 18937047, 9048935). It was detected with pathogenic variants c.1042C>G and p.Tyr204Cys (PMID 18937047, 9048935). This variant is absent in population databases. In summary, this variant meets criteria to be classified as pathogenic for PAH. PAH-specific ACMG/AMP criteria applied: PVS1, PM2, PM3, and PP4.

Labcorp Genetics (formerly Invitae), Labcorp
Classification: Pathogenic for Phenylketonuria. Last evaluated: 2025-02-06. Review status: criteria provided, single submitter. Criteria: Invitae Variant Classification Sherloc (09022015). Collection method: clinical testing. Allele origin: germline. Not counted in ClinVar's aggregate classification.
Comment: This sequence change affects an acceptor splice site in intron 4 of the PAH gene. It is expected to disrupt RNA splicing. Variants that disrupt the donor or acceptor splice site typically lead to a loss of protein function (PMID: 16199547), and loss-of-function variants in PAH are known to be pathogenic (PMID: 1301187, 9634518). This variant is not present in population databases (gnomAD no frequency). Disruption of this splice site has been observed in individual(s) with phenylketonuria (PMID: 9048935). In at least one individual the data is consistent with being in trans (on the opposite chromosome) from a pathogenic variant. ClinVar contains an entry for this variant (Variation ID: 120276). Algorithms developed to predict the effect of sequence changes on RNA splicing suggest that this variant may disrupt the consensus splice site. For these reasons, this variant has been classified as Pathogenic.

Kasturba Medical College, Manipal, Kasturba Medical College, Manipal, Manipal Academy of Higher Education, Manipal, India
Classification: Uncertain significance for mild hyperphenylalaninemia. Review status: criteria provided, single submitter. Criteria: ACMG Guidelines, 2015. Collection method: research. Allele origin: paternal. Affected: yes. Observed: 1 heterozygote. Not counted in ClinVar's aggregate classification.
Comment: This variant is observed in heterozygous state in one individual in gnomAD database (v4.1.0) and absent in our in-house database of 3801 exomes. This variant is absent in homozygous state in our in-house database and gnomAD (v4.1.0). This canonical splice-site variant is predicted to cause aberrant splicing which might either lead to the nonsense-mediated mRNA decay or formation of a truncated protein product.

Counsyl
Classification: Likely pathogenic for Phenylketonuria. Last evaluated: 2015-12-11. Review status: no assertion criteria provided. Collection method: clinical testing. Allele origin: unknown. Not counted in ClinVar's aggregate classification.

Inserm U 954, Faculté de Médecine de Nancy
Classification: Likely pathogenic for Phenylketonuria. Review status: no assertion criteria provided. Collection method: not provided. Allele origin: unknown. Not counted in ClinVar's aggregate classification.
ClinVar note: Converted during submission from probable-pathogenic to Likely pathogenic.

Literature cited by the submitters: PubMed 16199547 (cited by Labcorp Genetics (formerly Invitae), Labcorp); PubMed 1301187 (cited by Labcorp Genetics (formerly Invitae), Labcorp); PubMed 9634518 (cited by Labcorp Genetics (formerly Invitae), Labcorp); PubMed 9048935 (cited by Labcorp Genetics (formerly Invitae), Labcorp and Counsyl); PubMed 17502162 (cited by Kasturba Medical College, Manipal, Kasturba Medical College, Manipal, Manipal Academy of Higher Education, Manipal, India and Counsyl); PubMed 17096675 (cited by Counsyl); PubMed 25525159 (cited by Counsyl).

NM_000277.3(PAH):c.442-2A>C

Gene: PAH (phenylalanine hydroxylase; minus strand). Cytogenetic location: 12q23.2.
Variant type: single nucleotide variant.
Coding change: c.442-2A>C on transcript NM_000277.3 (MANE Select); the canonical splice acceptor site of the intron before coding-DNA position 442, A replaced by C.
Molecular consequence: splice acceptor variant.
Genome position (GRCh38, 1-based): chr12:102,866,665, T>G on the plus strand (A>C on the coding strand, the complement: PAH is on the minus strand). VCF-style: chr12-102866665-T-G. GRCh37 (hg19) VCF-style: chr12-103260443-T-G.
Other names: c.442-2A>C (NM_001354304.2).
Identifiers: ClinVar variation 120276 (VCV000120276.16), dbSNP rs281865448, ClinGen allele CA267655.